The following is an entry in ClinVar:

NM_006516.4(SLC2A1):c.871T>C (p.Phe291Leu)

Gene: SLC2A1 (solute carrier family 2 member 1; minus strand). Cytogenetic location: 1p34.2.
Variant type: single nucleotide variant.
Coding change: c.871T>C on transcript NM_006516.4 (MANE Select); coding-DNA position 871, T replaced by C.
Protein change: p.Phe291Leu; replaces phenylalanine 291 with leucine.
Molecular consequence: missense variant.
Genome position (GRCh38, 1-based): chr1:42,929,311, A>G on the plus strand (T>C on the coding strand, the complement: SLC2A1 is on the minus strand). VCF-style: chr1-42929311-A-G. GRCh37 (hg19) VCF-style: chr1-43394982-A-G.
Other names: short protein forms F291L.
Identifiers: ClinVar variation 4293854 (VCV004293854.1).

ClinVar aggregate classification (germline): Uncertain significance (1 of 4 stars; one submission).

Conditions:
SLC2A1-related disorder. Also called: SLC2A1-related condition; SLC2A1-related disorders.

Submission:

3billion
Classification: Uncertain significance for SLC2A1-related disorder. Last evaluated: 2024-08-28. Review status: criteria provided, single submitter. Criteria: ACMG Guidelines, 2015. Collection method: clinical testing. Allele origin: germline. Affected: yes.
Comment: The variant is not observed in the gnomAD v4.0.0 dataset. Predicted Consequence/Location: Missense variant In silico tool predictions suggest damaging effect of the variant on gene or gene product [REVEL: 0.71 (>=0.6, sensitivity 0.68 and specificity 0.92); 3Cnet: 0.97 (>=0.6, sensitivity 0.72 and precision 0.9)]. The variant has been reported as of uncertain significance (ClinVar ID: VCV000936997). Therefore, this variant is classified as VUS according to the recommendation of ACMG/AMP guideline.